The following is an entry in ClinVar:

NM_000135.4(FANCA):c.1164_1165del (p.Arg388fs)

Gene: FANCA (FA complementation group A; minus strand). Cytogenetic location: 16q24.3.
Variant type: Microsatellite.
Coding change: c.1164_1165del on transcript NM_000135.4 (MANE Select); coding-DNA positions 1164 to 1165, 2 bases deleted (AG; older notation c.1164_1165delAG).
Protein change: p.Arg388fs; shifts the reading frame from arginine 388.
Molecular consequence: frameshift variant.
Genome position (GRCh38, 1-based): chr16:89,791,987-89,791,988, CT deleted on the plus strand (AG on the coding strand, the reverse complement: FANCA is on the minus strand); deleting any 2 consecutive bases within chr16:89,791,987-89,791,992 gives the same sequence; the c. name uses the placement nearest the transcript's 3' end. VCF-style (leftmost placement, unchanged base first): chr16-89791986-ACT-A. GRCh37 (hg19) VCF-style: chr16-89858394-ACT-A.
Other names: c.1164_1165del, p.Arg388fs (NM_001286167.3); short protein forms R388fs.
Identifiers: ClinVar variation 974008 (VCV000974008.2), dbSNP rs2040091643, ClinGen allele CA1139664964.

ClinVar aggregate classification (germline): Pathogenic. Review status: criteria provided, single submitter (1 of 4 stars). 2 submissions from 2 submitters: Pathogenic (1). 1 of the submissions does not count toward it. Last evaluated 2026-02-13.

Conditions:
Fanconi anemia complementation group A (FANCA). Also called: FANCA-Related Fanconi Anemia; Fanconi anemia, group A. Identifiers: Orphanet 84, MedGen C3469521, MONDO:0009215, OMIM 227650.

Submissions (2):

Myriad Genetics, Inc.
Classification: Pathogenic for Fanconi anemia complementation group A. Last evaluated: 2026-02-13. Review status: criteria provided, single submitter. Criteria: Myriad Autosomal Dominant, Autosomal Recessive and X-Linked Classification Criteria (2023). Collection method: clinical testing. Allele origin: unknown.
Comment: NM_000135.2(FANCA):c.1164_1165delAG(R388Sfs*20) is a frameshift variant classified as pathogenic in the context of Fanconi anemia complementation group A. R388Sfs*20 has been observed in a case with relevant disease (PMID: 10094191). Relevant functional assessments of this variant are not available in the literature. R388Sfs*20 has not been observed in referenced population frequency databases. In summary, NM_000135.2(FANCA):c.1164_1165delAG(R388Sfs*20) is a frameshift variant that has been observed more frequently in cases with the relevant disease than in healthy populations. Please note: this variant was assessed in the context of healthy population screening.

Leiden Open Variation Database
Classification: Pathogenic for Fanconi anemia complementation group A. Last evaluated: 2020-02-28. Review status: no assertion criteria provided. Collection method: curation. Allele origin: germline. Affected: yes. Not counted in ClinVar's aggregate classification.
Comment: Curator: Arleen D. Auerbach. Submitters to LOVD: Arleen D. Auerbach, Johan de Winter.

Literature cited by the submitters: PubMed 10094191 (cited by Myriad Genetics, Inc. and Leiden Open Variation Database); PubMed 17924555 (cited by Leiden Open Variation Database).